The following is an entry in ClinVar:

ClinVar aggregate classification (germline): Uncertain significance. Review status: criteria provided, multiple submitters, no conflicts (2 of 4 stars). 2 submissions from 2 submitters: Uncertain significance (2). Last evaluated 2025-03-13.

Conditions:
Dyskeratosis congenita. Identifiers: Orphanet 1775, MedGen C0265965, MONDO:0015780.
Dyskeratosis congenita, autosomal dominant 2. Identifiers: MedGen C3151443, MONDO:0013521, OMIM 613989.
Idiopathic Pulmonary Fibrosis. Also called: Idiopathic fibrosing alveolitis, chronic form; idiopathic fibrosing alveolitis. Identifiers: Orphanet 2032, MedGen C1800706, MeSH D054990, MONDO:0800504.

Allele frequency attached by ClinVar (database versions not stated): gnomAD exomes below 0.00001; TOPMed 0.00001.
gnomAD v4.1: 1 of 1,614,002 alleles (0.000062%); highest among the groups gnomAD compares: Non-Finnish European, 0.000085%; no homozygotes.

Submissions (2):

Labcorp Genetics (formerly Invitae), Labcorp
Classification: Uncertain significance for Dyskeratosis congenita, autosomal dominant 2; Idiopathic Pulmonary Fibrosis. Last evaluated: 2025-03-13. Review status: criteria provided, single submitter. Criteria: Invitae Variant Classification Sherloc (09022015). Collection method: clinical testing. Allele origin: germline.
Comment: This sequence change replaces glycine, which is neutral and non-polar, with valine, which is neutral and non-polar, at codon 525 of the TERT protein (p.Gly525Val). This variant is not present in population databases (gnomAD no frequency). This variant has not been reported in the literature in individuals affected with TERT-related conditions. ClinVar contains an entry for this variant (Variation ID: 834918). Invitae Evidence Modeling of protein sequence and biophysical properties (such as structural, functional, and spatial information, amino acid conservation, physicochemical variation, residue mobility, and thermodynamic stability) indicates that this missense variant is expected to disrupt TERT protein function with a positive predictive value of 95%. Algorithms developed to predict the effect of sequence changes on RNA splicing suggest that this variant may disrupt the consensus splice site. In summary, the available evidence is currently insufficient to determine the role of this variant in disease. Therefore, it has been classified as a Variant of Uncertain Significance.

Ambry Genetics
Classification: Uncertain significance for Dyskeratosis congenita. Last evaluated: 2022-01-31. Review status: criteria provided, single submitter. Criteria: Ambry Variant Classification Scheme 2023. Collection method: clinical testing. Allele origin: germline.
Comment: The p.G525V variant (also known as c.1574G>T) is located in coding exon 3 of the TERT gene. The glycine at codon 525 is replaced by valine, an amino acid with dissimilar properties. This change occurs in the first base pair of coding exon 3. This amino acid position is conserved. In addition, the in silico prediction for this alteration is inconclusive. Since supporting evidence is limited at this time, the clinical significance of this alteration remains unclear.

NM_198253.3(TERT):c.1574G>T (p.Gly525Val)

Gene: TERT (telomerase reverse transcriptase; minus strand). Cytogenetic location: 5p15.33.
Variant type: single nucleotide variant.
Coding change: c.1574G>T on transcript NM_198253.3 (MANE Select); coding-DNA position 1574, G replaced by T.
Protein change: p.Gly525Val; replaces glycine 525 with valine.
Molecular consequence: missense variant. On other transcripts: non-coding transcript variant (2).
Genome position (GRCh38, 1-based): chr5:1,282,624, C>A on the plus strand (G>T on the coding strand, the complement: TERT is on the minus strand). VCF-style: chr5-1282624-C-A. GRCh37 (hg19) VCF-style: chr5-1282739-C-A.
Other names: c.1574G>T, p.Gly525Val (NM_001193376.3); short protein forms G525V.
Identifiers: ClinVar variation 834918 (VCV000834918.12), dbSNP rs1477152090, ClinGen allele CA359083621.